The following is an entry in ClinVar:

NM_020975.6(RET):c.3112A>G (p.Thr1038Ala)

Gene: RET (ret proto-oncogene; plus strand). Cytogenetic location: 10q11.21.
Variant type: single nucleotide variant.
Coding change: c.3112A>G on transcript NM_020975.6 (MANE Select); coding-DNA position 3112, A replaced by G.
Protein change: p.Thr1038Ala; replaces threonine 1038 with alanine.
Molecular consequence: missense variant.
Genome position (GRCh38, 1-based): chr10:43,126,647, A>G. VCF-style: chr10-43126647-A-G. GRCh37 (hg19) VCF-style: chr10-43622095-A-G.
Other names: c.2386A>G, p.Thr796Ala (NM_001406775.1, NM_001406776.1, NM_001406777.1 and 1 more transcripts); c.2215A>G, p.Thr739Ala (NM_001406779.1, NM_001406780.1, NM_001406781.1 and 1 more transcripts); c.2086A>G, p.Thr696Ala (NM_001406783.1, NM_001406786.1); c.2122A>G, p.Thr708Ala (NM_001406784.1); c.3112A>G, p.Thr1038Ala (NM_000323.2, NM_001406743.1, NM_001406744.1 and 4 more transcripts); c.2350A>G, p.Thr784Ala (NM_001355216.2); c.2983A>G, p.Thr995Ala (NM_001406761.1, NM_001406762.1, NM_001406764.1); c.2977A>G, p.Thr993Ala (NM_001406763.1, NM_001406765.1); and 10 more; short protein forms T1038A, T784A, T603A, T699A, T739A, T796A, T863A, T892A.
Identifiers: ClinVar variation 136115 (VCV000136115.63), dbSNP rs201740483, ClinGen allele CA009187.

ClinVar aggregate classification (germline): Conflicting classifications of pathogenicity. Review status: criteria provided, conflicting classifications (1 of 4 stars). 24 submissions from 21 submitters: Uncertain significance (3); Benign (4); Likely benign (13). 4 of the submissions do not count toward it. Last evaluated 2026-02-03.

Conditions:
RET-related disorder. Also called: RET-related disorders; RET-related condition; RET-related disease.
Ewing sarcoma of soft tissue. Identifiers: MedGen C3165160.
Hereditary cancer-predisposing syndrome. Also called: Tumor predisposition; Hereditary neoplastic syndrome; Hereditary Cancer Syndrome; Neoplastic Syndromes, Hereditary. Identifiers: Orphanet 140162, MedGen C0027672, MeSH D009386, MONDO:0015356.
Multiple endocrine neoplasia. Identifiers: Orphanet 276161, MedGen C0027662, MONDO:0017169.
Multiple endocrine neoplasia, type 2 (MEN2). Identifiers: Orphanet 653, MedGen C4048306, MONDO:0019003. Disease mechanism: gain of function.
Multiple endocrine neoplasia type 2A. Also called: Multiple Endocrine Neoplasia Type 2A (MEN2A); MULTIPLE ENDOCRINE NEOPLASIA, TYPE IIA; PTC SYNDROME; SIPPLE SYNDROME; MEN 2A; MEN-2A syndrome. Identifiers: Orphanet 247698, Orphanet 653, MedGen C0025268, MeSH D018813, MONDO:0008234, OMIM 171400.
Hirschsprung disease, susceptibility to, 1 (HSCR1). Also called: RET-Related Hirschsprung Disease. Identifiers: Orphanet 388, MedGen C3888239, MONDO:0007723, OMIM 142623.
Renal hypodysplasia/aplasia 1 (RHDA1). Also called: RENAL APLASIA; HEREDITARY RENAL APLASIA. Identifiers: Orphanet 411709, MedGen C1619700, MONDO:0024519, OMIM 191830.
Pheochromocytoma. Also called: MAX-Related Hereditary Paraganglioma-Pheochromocytoma Syndrome. Identifiers: Orphanet 29072, MedGen C0031511, MONDO:0008233, OMIM 171300, HP:0002666.

Allele frequency attached by ClinVar (database versions not stated): ExAC 0.00053; TOPMed 0.00039; gnomAD 0.00047 and 0.00046; gnomAD exomes 0.00060 and 0.00059; ESP Exome Variant Server 0.00031.
gnomAD v4.1: 911 of 1,613,988 alleles (0.056%); highest among the groups gnomAD compares: Non-Finnish European, 0.065%; no homozygotes.

Submissions (24):

Labcorp Genetics (formerly Invitae), Labcorp
Classification: Likely benign for Multiple endocrine neoplasia, type 2. Last evaluated: 2026-02-03. Review status: criteria provided, single submitter. Criteria: Invitae Variant Classification Sherloc (09022015). Collection method: clinical testing. Allele origin: germline.

Laboratorio de I+D, Fundación Centro Médico de Asturias
Classification: Likely benign for Hereditary cancer-predisposing syndrome. Last evaluated: 2025-07-17. Review status: criteria provided, single submitter. Criteria: ACMG Guidelines, 2015. Collection method: clinical testing. Allele origin: germline.
Comment: BP4_Moderate+PM2_Supporting

Center for Genomic Medicine, Rigshospitalet, Copenhagen University Hospital
Classification: Uncertain significance. Last evaluated: 2025-03-04. Review status: criteria provided, single submitter. Criteria: ACMG Guidelines, 2015. Collection method: clinical testing. Allele origin: germline.

Blueprint Genetics
Classification: Likely benign. Last evaluated: 2024-11-04. Review status: criteria provided, single submitter. Criteria: ACMG Guidelines, 2015. Collection method: clinical testing. Allele origin: germline.

All of Us Research Program, National Institutes of Health
Classification: Likely benign for Multiple endocrine neoplasia, type 2. Last evaluated: 2024-09-23. Review status: criteria provided, single submitter. Criteria: ACMG Guidelines, 2015. Collection method: clinical testing. Allele origin: germline. Inheritance: Autosomal dominant inheritance. Observed: 207 variant alleles, 207 heterozygotes.
Comment: This study involves interpretation of variants in research participants for the purpose of population health screening. Participant phenotype was not available at the time of variant classification. Additional details can be found in publication PMID: 35346344, PMCID: PMC8962531

Women's Health and Genetics/Laboratory Corporation of America, LabCorp
Classification: Likely benign. Last evaluated: 2022-11-04. Review status: criteria provided, single submitter. Criteria: LabCorp Variant Classification Summary - May 2015. Collection method: clinical testing. Allele origin: germline.
Comment: Variant summary: RET c.3112A>G (p.Thr1038Ala) results in a non-conservative amino acid change in the encoded protein sequence. Four of five in-silico tools predict a damaging effect of the variant on protein function. The variant allele was found at a frequency of 0.0006 in 251466 control chromosomes, predominantly within the Finnish- and Non-Finnish European subpopulations, at a frequency of about 0.0019 and 0.001, respectively (gnomAD). The observed variant frequencies in these subpopulations are approximately 25-50 fold higher than the estimated maximal expected allele frequency (MPAF) for a pathogenic variant in RET causing Multiple Endocrine Neoplasia Type 2 phenotype (3.7e-05), suggesting that the variant is a benign polymorphism. The variant, c.3112A>G, has been reported in the literature in multigene panel testing studies in individuals affected with various tumor phenotypes, mostly outside the RET gene associated tumor spectrum, and without strong evidence for causality (e.g. Zhang_2015, Kim_2018, Zhunussova_2019, Henn_2019, Backman_2020). These report(s) do not provide unequivocal conclusions about association of the variant with Multiple Endocrine Neoplasia Type 2. To our knowledge, no experimental evidence demonstrating an impact on protein function has been reported. Seventeen submitters have provided clinical-significance assessments for this variant to ClinVar after 2014 without evidence for independent evaluation. Multiple laboratories reported the variant with conflicting assessments, classifying the variant as likely benign (n=12), VUS (n=4), or benign (n=1). Based on the evidence outlined above, the variant was classified as likely benign.

Quest Diagnostics Nichols Institute San Juan Capistrano
Classification: Benign. Last evaluated: 2022-10-18. Review status: criteria provided, single submitter. Criteria: Quest Diagnostics criteria. Collection method: clinical testing. Allele origin: unknown.
Comment: The frequency of this variant in the general population is higher than would generally be expected for pathogenic variants in this gene.

Color Diagnostics, LLC DBA Color Health
Classification: Likely benign for Multiple endocrine neoplasia, type 2. Last evaluated: 2022-06-09. Review status: criteria provided, single submitter. Criteria: ACMG Guidelines, 2015. Collection method: clinical testing. Allele origin: germline.

Institute for Clinical Genetics, University Hospital TU Dresden, University Hospital TU Dresden
Classification: Uncertain significance. Last evaluated: 2021-11-03. Review status: criteria provided, single submitter. Criteria: ACMG Guidelines, 2015. Collection method: clinical testing. Allele origin: germline.

Sema4
Classification: Likely benign for Hereditary cancer-predisposing syndrome. Last evaluated: 2021-06-13. Review status: criteria provided, single submitter. Criteria: Sema4 Curation Guidelines. Collection method: curation. Allele origin: germline.

GeneDx
Classification: Likely benign. Last evaluated: 2021-03-29. Review status: criteria provided, single submitter. Criteria: GeneDx Variant Classification Process June 2021. Collection method: clinical testing. Allele origin: germline. Affected: yes.
Comment: This variant is associated with the following publications: (PMID: 24336963, 28873162, 24429398)

Genetic Services Laboratory, University of Chicago
Classification: Likely benign. Last evaluated: 2020-01-30. Review status: criteria provided, single submitter. Criteria: ACMG Guidelines, 2015. Collection method: clinical testing. Allele origin: germline. Affected: no.

Athena Diagnostics
Classification: Likely benign. Last evaluated: 2019-10-25. Review status: criteria provided, single submitter. Criteria: Athena Diagnostics Criteria. Collection method: clinical testing. Allele origin: unknown.

Mendelics
Classification: Likely benign for Multiple endocrine neoplasia type 2A. Last evaluated: 2019-05-28. Review status: criteria provided, single submitter. Criteria: Mendelics Assertion Criteria 2017. Collection method: clinical testing. Allele origin: unknown.

Ambry Genetics
Classification: Likely benign for Hereditary cancer-predisposing syndrome. Last evaluated: 2019-01-31. Review status: criteria provided, single submitter. Criteria: Ambry Variant Classification Scheme 2023. Collection method: clinical testing. Allele origin: germline.

Illumina Laboratory Services, Illumina
Classification: Likely benign for Pheochromocytoma. Last evaluated: 2018-05-22. Review status: criteria provided, single submitter. Criteria: ICSL Variant Classification Criteria 13 December 2019. Collection method: clinical testing. Allele origin: germline.
Comment: This variant was observed as part of a predisposition screen in an ostensibly healthy population. A literature search was performed for the gene, cDNA change, and amino acid change (where applicable). No publications were found based on this search. Allele frequency data from public databases allowed determination this variant is unlikely to cause disease. Therefore, this variant is classified as likely benign.

Illumina Laboratory Services, Illumina
Classification: Benign for Renal hypodysplasia/aplasia 1. Last evaluated: 2018-05-22. Review status: criteria provided, single submitter. Criteria: ICSL Variant Classification Criteria 13 December 2019. Collection method: clinical testing. Allele origin: germline.
Comment: This variant was observed as part of a predisposition screen in an ostensibly healthy population. A literature search was performed for the gene, cDNA change, and amino acid change (where applicable). No publications were found based on this search. Allele frequency data from public databases was too high to be consistent with this variant causing disease. Therefore, this variant is classified as benign.

Illumina Laboratory Services, Illumina
Classification: Benign for Hirschsprung disease, susceptibility to, 1. Last evaluated: 2018-05-22. Review status: criteria provided, single submitter. Criteria: ICSL Variant Classification Criteria 13 December 2019. Collection method: clinical testing. Allele origin: germline.
Comment: the same text as in the submission from Illumina Laboratory Services, Illumina above.

Illumina Laboratory Services, Illumina
Classification: Benign for Multiple endocrine neoplasia. Last evaluated: 2018-05-22. Review status: criteria provided, single submitter. Criteria: ICSL Variant Classification Criteria 13 December 2019. Collection method: clinical testing. Allele origin: germline.
Comment: the same text as in the submission from Illumina Laboratory Services, Illumina above.

St. Jude Molecular Pathology, St. Jude Children's Research Hospital
Classification: Uncertain significance for Ewing sarcoma of soft tissue. Last evaluated: 2016-03-21. Review status: criteria provided, single submitter. Criteria: ACMG Guidelines, 2015. Collection method: clinical testing. Allele origin: germline. Affected: yes.

PreventionGenetics, part of Exact Sciences
Classification: Likely benign for RET-related condition. Last evaluated: 2022-12-15. Review status: no assertion criteria provided. Collection method: clinical testing. Allele origin: germline. Not counted in ClinVar's aggregate classification.
Comment: This variant is classified as likely benign based on ACMG/AMP sequence variant interpretation guidelines (Richards et al. 2015 PMID: 25741868, with internal and published modifications).

Counsyl
Classification: Likely benign for Multiple endocrine neoplasia type 2A. Last evaluated: 2018-05-16. Review status: no assertion criteria provided. Collection method: clinical testing. Allele origin: unknown. Not counted in ClinVar's aggregate classification.

Diagnostic Laboratory, Department of Genetics, University Medical Center Groningen
Classification: Likely benign. Review status: no assertion criteria provided. Collection method: clinical testing. Allele origin: germline. Affected: yes. Study: VKGL Data-share Consensus. Not counted in ClinVar's aggregate classification.

Genome Diagnostics Laboratory, Amsterdam University Medical Center
Classification: Likely benign. Review status: no assertion criteria provided. Collection method: clinical testing. Allele origin: germline. Affected: yes. Study: VKGL Data-share Consensus. Not counted in ClinVar's aggregate classification.

Literature cited by the submitters: PubMed 26580448 (cited by Women's Health and Genetics/Laboratory Corporation of America, LabCorp and Sema4); PubMed 30680046 (cited by Women's Health and Genetics/Laboratory Corporation of America, LabCorp); PubMed 31428572 (cited by Women's Health and Genetics/Laboratory Corporation of America, LabCorp); PubMed 31658439 (cited by Women's Health and Genetics/Laboratory Corporation of America, LabCorp); PubMed 30583724 (cited by Women's Health and Genetics/Laboratory Corporation of America, LabCorp); PubMed 24429398 (cited by Sema4 and Athena Diagnostics); PubMed 32099073 (cited by Sema4); PubMed 32179705 (cited by Sema4); PubMed 24755471 (cited by Athena Diagnostics); PubMed 24336963 (cited by Athena Diagnostics and Counsyl); PubMed 25256751 (cited by Athena Diagnostics); PubMed 29263839 (cited by Athena Diagnostics); PubMed 29642553 (cited by Athena Diagnostics).